The following is an entry in ClinVar:

NM_003482.4(KMT2D):c.7201C>G (p.Arg2401Gly)

Gene: KMT2D (lysine methyltransferase 2D; minus strand). Cytogenetic location: 12q13.12.
Variant type: single nucleotide variant.
Coding change: c.7201C>G on transcript NM_003482.4 (MANE Select); coding-DNA position 7201, C replaced by G.
Protein change: p.Arg2401Gly; replaces arginine 2401 with glycine.
Molecular consequence: missense variant.
Genome position (GRCh38, 1-based): chr12:49,040,569, G>C on the plus strand (C>G on the coding strand, the complement: KMT2D is on the minus strand). VCF-style: chr12-49040569-G-C. GRCh37 (hg19) VCF-style: chr12-49434352-G-C.
Other names: short protein forms R2401G.
Identifiers: ClinVar variation 2083811 (VCV002083811.4), dbSNP rs748969699, ClinGen allele CA384748179.
Genomic context (GRCh38, chr12:49,040,569, plus strand): 5'-AGCTGGACTGGGACTGAGGACTGGCAGGCACTCGGGAGAAAGGGTCGGAGGGCAGTGAGC[G>C]AGGGGGCAGAGCACAGCAGCTCTCAGGGGGCGGAGGTTGGGGCCGAGGAGTCAATGGGGG-3'
Protein context (NP_003473.3, residues 2391-2411): PPESCCALPP[Arg2401Gly]SLPSDPFSRV

ClinVar aggregate classification (germline): Uncertain significance (1 of 4 stars; one submission).

Conditions:
Kabuki syndrome. Also called: NIIKAWA-KUROKI SYNDROME; Kabuki make-up syndrome. Identifiers: Orphanet 2322, MedGen C0796004, MONDO:0016512.

Submission:

Labcorp Genetics (formerly Invitae), Labcorp
Classification: Uncertain significance for Kabuki syndrome. Last evaluated: 2022-01-15. Review status: criteria provided, single submitter. Criteria: Invitae Variant Classification Sherloc (09022015). Collection method: clinical testing. Allele origin: germline.
Comment: In summary, the available evidence is currently insufficient to determine the role of this variant in disease. Therefore, it has been classified as a Variant of Uncertain Significance. Advanced modeling of protein sequence and biophysical properties (such as structural, functional, and spatial information, amino acid conservation, physicochemical variation, residue mobility, and thermodynamic stability) performed at Invitae indicates that this missense variant is not expected to disrupt KMT2D protein function. This variant has not been reported in the literature in individuals affected with KMT2D-related conditions. This variant is not present in population databases (gnomAD no frequency). This sequence change replaces arginine, which is basic and polar, with glycine, which is neutral and non-polar, at codon 2401 of the KMT2D protein (p.Arg2401Gly).